The following is an entry in ClinVar:

NM_015409.5(EP400):c.6451-2A>G

Gene: EP400 (E1A binding protein p400; plus strand). Cytogenetic location: 12q24.33.
Variant type: single nucleotide variant.
Coding change: c.6451-2A>G on transcript NM_015409.5 (MANE Select); the canonical splice acceptor site of the intron before coding-DNA position 6451, A replaced by G.
Molecular consequence: splice acceptor variant.
Genome position (GRCh38, 1-based): chr12:132,044,175, A>G. VCF-style: chr12-132044175-A-G. GRCh37 (hg19) VCF-style: chr12-132528720-A-G.
Identifiers: ClinVar variation 1710459 (VCV001710459.3), dbSNP rs2540982064, ClinGen allele CA387343244.

ClinVar aggregate classification (germline): Uncertain significance (1 of 4 stars; one submission).

Submission:

Greenwood Genetic Center Diagnostic Laboratories, Greenwood Genetic Center
Classification: Uncertain significance. Last evaluated: 2022-07-26. Review status: criteria provided, single submitter. Criteria: ACMG Guidelines, 2015. Collection method: clinical testing. Allele origin: germline. Affected: yes.
Comment: Gene of Uncertain Significance